The following is an entry in ClinVar:

NM_006744.4(RBP4):c.559G>A (p.Val187Ile)

Gene: RBP4 (retinol binding protein 4; minus strand). Cytogenetic location: 10q23.33.
Variant type: single nucleotide variant.
Coding change: c.559G>A on transcript NM_006744.4 (MANE Select); coding-DNA position 559, G replaced by A.
Protein change: p.Val187Ile; replaces valine 187 with isoleucine.
Molecular consequence: missense variant.
Genome position (GRCh38, 1-based): chr10:93,593,832, C>T on the plus strand (G>A on the coding strand, the complement: RBP4 is on the minus strand). VCF-style: chr10-93593832-C-T. GRCh37 (hg19) VCF-style: chr10-95353589-C-T.
Other names: c.559G>A, p.Val187Ile (NM_001323517.1); c.553G>A, p.Val185Ile (NM_001323518.2); short protein forms V185I, V187I.
Identifiers: ClinVar variation 1013571 (VCV001013571.46), dbSNP rs779604024, ClinGen allele CA5609515.
Genomic context (GRCh38, chr10:93,593,832, plus strand): 5'-AAACCCACTGCCCTGCAGGAAGAGCCAGAAGGCACCCTGCTCCTGACTCACCGTTGTGGA[C>T]GATCAGCCTGTACTGCCTGGCCAGGCACAGCTCCTCCTGCCGCTGCCTTACAATCTTCTG-3'
Protein context (NP_006735.2, residues 177-197): LCLARQYRLI[Val187Ile]HNGYCDGRSE

ClinVar aggregate classification (germline): Conflicting classifications of pathogenicity. Review status: criteria provided, conflicting classifications (1 of 4 stars). 3 submissions from 3 submitters: Uncertain significance (1); Likely benign (2). Last evaluated 2025-12-07.

Allele frequency attached by ClinVar (database versions not stated): ExAC 0.00009; gnomAD exomes 0.00010 and 0.00011; gnomAD 0.00012 and 0.00013; TOPMed 0.00012.
gnomAD v4.1: 175 of 1,611,578 alleles (0.011%); highest among the groups gnomAD compares: South Asian, 0.012%; no homozygotes.

Submissions (3):

Labcorp Genetics (formerly Invitae), Labcorp
Classification: Uncertain significance. Last evaluated: 2025-12-07. Review status: criteria provided, single submitter. Criteria: Invitae Variant Classification Sherloc (09022015). Collection method: clinical testing. Allele origin: germline.
Comment: This sequence change replaces valine, which is neutral and non-polar, with isoleucine, which is neutral and non-polar, at codon 187 of the RBP4 protein (p.Val187Ile). This variant is present in population databases (rs779604024, gnomAD 0.04%). This variant has not been reported in the literature in individuals affected with RBP4-related conditions. ClinVar contains an entry for this variant (Variation ID: 1013571). An algorithm developed to predict the effect of missense changes on protein structure and function (PolyPhen-2) suggests that this variant is likely to be tolerated. In summary, the available evidence is currently insufficient to determine the role of this variant in disease. Therefore, it has been classified as a Variant of Uncertain Significance.

Blueprint Genetics
Classification: Likely benign. Last evaluated: 2024-10-23. Review status: criteria provided, single submitter. Criteria: ACMG Guidelines, 2015. Collection method: clinical testing. Allele origin: germline.

CeGaT Center for Human Genetics Tuebingen
Classification: Likely benign. Last evaluated: 2020-08-01. Review status: criteria provided, single submitter. Criteria: CeGaT Center For Human Genetics Tuebingen Variant Classification Criteria Version 2. Collection method: clinical testing. Allele origin: germline. Affected: yes. Observed: 1 variant allele.